The following is an entry in ClinVar:

ClinVar aggregate classification (germline): Uncertain significance. Review status: criteria provided, multiple submitters, no conflicts (2 of 4 stars). 4 submissions from 4 submitters: Uncertain significance (4). Last evaluated 2025-04-07.

Allele frequency attached by ClinVar (database versions not stated): gnomAD 0.00001; gnomAD exomes 0.00002.

Submissions (4):

Labcorp Genetics (formerly Invitae), Labcorp
Classification: Uncertain significance. Last evaluated: 2025-04-07. Review status: criteria provided, single submitter. Criteria: Invitae Variant Classification Sherloc (09022015). Collection method: clinical testing. Allele origin: germline.
Comment: This sequence change replaces asparagine, which is neutral and polar, with serine, which is neutral and polar, at codon 483 of the GDF5 protein (p.Asn483Ser). This variant is not present in population databases (gnomAD no frequency). This variant has not been reported in the literature in individuals affected with GDF5-related conditions. ClinVar contains an entry for this variant (Variation ID: 265176). Invitae Evidence Modeling of protein sequence and biophysical properties (such as structural, functional, and spatial information, amino acid conservation, physicochemical variation, residue mobility, and thermodynamic stability) indicates that this missense variant is not expected to disrupt GDF5 protein function with a negative predictive value of 80%. In summary, the available evidence is currently insufficient to determine the role of this variant in disease. Therefore, it has been classified as a Variant of Uncertain Significance.

Blueprint Genetics
Classification: Uncertain significance. Last evaluated: 2023-08-17. Review status: criteria provided, single submitter. Criteria: ACMG Guidelines, 2015. Collection method: clinical testing. Allele origin: germline.

Women's Health and Genetics/Laboratory Corporation of America, LabCorp
Classification: Uncertain significance. Last evaluated: 2022-10-01. Review status: criteria provided, single submitter. Criteria: LabCorp Variant Classification Summary - May 2015. Collection method: clinical testing. Allele origin: germline.
Comment: Variant summary: GDF5 c.1448A>G (p.Asn483Ser) results in a conservative amino acid change located in the Transforming growth factor-beta, C-terminal domain (IPR001839) of the encoded protein sequence. Four of five in-silico tools predict a damaging effect of the variant on protein function. The variant was absent in 251422 control chromosomes (gnomAD). The available data on variant occurrences in the general population are insufficient to allow any conclusion about variant significance. c.1448A>G has been reported in the literature in a cohort tested for Neurocognitive disorders (Yavarna_2015), but this report does not provide unequivocal conclusions about association of the variant with Grebe Syndrome. To our knowledge, no experimental evidence demonstrating an impact on protein function has been reported. One ClinVar submitter has assessed the variant since 2014: the variant was classified as uncertain significance. Based on the evidence outlined above, the variant was classified as uncertain significance.

GeneDx
Classification: Uncertain significance. Last evaluated: 2020-01-18. Review status: criteria provided, single submitter. Criteria: GeneDx Variant Classification Process June 2021. Collection method: clinical testing. Allele origin: germline. Affected: yes.
Comment: Not observed in large population cohorts (Lek et al., 2016); In silico analysis, which includes protein predictors and evolutionary conservation, supports a deleterious effect; This variant is associated with the following publications: (PMID: 26077850)

Literature cited by the submitters: PubMed 26077850 (cited by Women's Health and Genetics/Laboratory Corporation of America, LabCorp).

NM_000557.5(GDF5):c.1448A>G (p.Asn483Ser)

Genes: GDF5 (growth differentiation factor 5; minus strand), GDF5-AS1 (GDF5 antisense RNA 1; plus strand). Cytogenetic location: 20q11.22.
Variant type: single nucleotide variant.
Coding change: c.1448A>G on transcript NM_000557.5 (MANE Select); coding-DNA position 1448, A replaced by G.
Protein change: p.Asn483Ser; replaces asparagine 483 with serine.
Molecular consequence: missense variant. On other transcripts: non-coding transcript variant (1).
Genome position (GRCh38, 1-based): chr20:35,433,967, T>C on the plus strand (A>G on the coding strand, the complement: GDF5 is on the minus strand). VCF-style: chr20-35433967-T-C. GRCh37 (hg19) VCF-style: chr20-34021765-T-C.
Other names: c.1448A>G, p.Asn483Ser (NM_001319138.2); short protein forms N483S.
Identifiers: ClinVar variation 265176 (VCV000265176.10), dbSNP rs371230143, ClinGen allele CA10588699.